The following is an entry in ClinVar:

ClinVar aggregate classification (germline): Likely benign. Review status: criteria provided, multiple submitters, no conflicts (2 of 4 stars). 2 submissions from 2 submitters: Likely benign (2). Last evaluated 2026-05-01.

Conditions:
Inborn genetic diseases. Identifiers: MedGen C0950123, MeSH D030342.

Allele frequency attached by ClinVar (database versions not stated): TOPMed 0.00002; gnomAD 0.00005; 1000 Genomes Project 30x 0.00016; gnomAD exomes 0.00001; 1000 Genomes Project 0.00020.
gnomAD v4.1: 18 of 1,613,976 alleles (0.0011%); highest among the groups gnomAD compares: East Asian, 0.0089%; no homozygotes.

Submissions (2):

CeGaT Center for Human Genetics Tuebingen
Classification: Likely benign. Last evaluated: 2026-05-01. Review status: criteria provided, single submitter. Criteria: CeGaT Center For Human Genetics Tuebingen Variant Classification Criteria Version 2. Collection method: clinical testing. Allele origin: germline. Affected: yes. Observed: 2 variant alleles.
Comment: CRBN: BP4, BP7

Ambry Genetics
Classification: Likely benign for Inborn genetic diseases. Last evaluated: 2020-02-11. Review status: criteria provided, single submitter. Criteria: Ambry Variant Classification Scheme 2023. Collection method: clinical testing. Allele origin: germline.

NM_016302.4(CRBN):c.1254G>A (p.Thr418=)

Genes: TRNT1 (tRNA nucleotidyl transferase 1; plus strand), CRBN (cereblon; minus strand). Cytogenetic location: 3p26.2.
Variant type: single nucleotide variant.
Coding change: c.1254G>A on transcript NM_016302.4 (MANE Select); coding-DNA position 1254, G replaced by A.
Protein change: p.Thr418=; no amino-acid change (threonine 418 retained).
Molecular consequence: synonymous variant. On other transcripts: 3 prime UTR variant (1), non-coding transcript variant (3).
Genome position (GRCh38, 1-based): chr3:3,150,940, C>T on the plus strand (G>A on the coding strand, the complement: CRBN is on the minus strand). VCF-style: chr3-3150940-C-T. GRCh37 (hg19) VCF-style: chr3-3192624-C-T.
Other names: c.*434C>T (NM_001367321.1); c.1251G>A, p.Thr417= (NM_001173482.1).
Identifiers: ClinVar variation 1761492 (VCV001761492.21), dbSNP rs200513126, ClinGen allele CA68737372.